The following is an entry in ClinVar:

NC_000003.11:g.(?_180332709)_(180707390_?)del

Genes: DNAJC19 (DnaJ heat shock protein family (Hsp40) member C19; minus strand), FXR1 (FMR1 autosomal homolog 1; plus strand), CCDC39 (coiled-coil domain 39 molecular ruler complex subunit; minus strand). Cytogenetic location: 3q26.33.
Variant type: Deletion.
Identifiers: ClinVar variation 2427336 (VCV002427336.4).

ClinVar aggregate classification (germline): Pathogenic (1 of 4 stars; one submission).

Conditions:
3-methylglutaconic aciduria type 5. Also called: MGA, TYPE V; CARDIOMYOPATHY, DILATED, WITH ATAXIA; 3 alpha methylglutaconic aciduria type V; MGA 5. Identifiers: Orphanet 66634, MedGen C1857776, MONDO:0012435, OMIM 610198.

Submission:

Labcorp Genetics (formerly Invitae), Labcorp
Classification: Pathogenic for 3-methylglutaconic aciduria type 5. Last evaluated: 2022-05-14. Review status: criteria provided, single submitter. Criteria: Invitae Variant Classification Sherloc (09022015). Collection method: clinical testing. Allele origin: germline.
Comment: For these reasons, this variant has been classified as Pathogenic. A gross deletion of the genomic region encompassing the full coding sequence of the DNAJC19 gene has been identified. Loss-of-function variants in DNAJC19 are known to be pathogenic (PMID: 16055927, 27928778). The boundaries of this event are unknown as they extend beyond the assayed region for this gene and therefore may encompass additional genes. This variant has not been reported in the literature in individuals affected with DNAJC19-related conditions.

Literature cited by the submitters: PubMed 16055927; PubMed 27928778.